The following is an entry in ClinVar:

NM_020433.5(JPH2):c.1013A>C (p.Glu338Ala)

Gene: JPH2 (junctophilin 2; minus strand). Cytogenetic location: 20q13.12.
Variant type: single nucleotide variant.
Coding change: c.1013A>C on transcript NM_020433.5 (MANE Select); coding-DNA position 1013, A replaced by C.
Protein change: p.Glu338Ala; replaces glutamic acid 338 with alanine.
Molecular consequence: missense variant.
Genome position (GRCh38, 1-based): chr20:44,159,774, T>G on the plus strand (A>C on the coding strand, the complement: JPH2 is on the minus strand). VCF-style: chr20-44159774-T-G. GRCh37 (hg19) VCF-style: chr20-42788414-T-G.
Other names: short protein forms E338A.
Identifiers: ClinVar variation 3643182 (VCV003643182.2).

ClinVar aggregate classification (germline): Uncertain significance (1 of 4 stars; one submission).

Conditions:
Hypertrophic cardiomyopathy. Also called: HYPERTROPHIC MYOCARDIOPATHY. Identifiers: Orphanet 217569, MedGen C0007194, MeSH D002312, MONDO:0005045, HP:0001639.

Submission:

Labcorp Genetics (formerly Invitae), Labcorp
Classification: Uncertain significance for Hypertrophic cardiomyopathy. Last evaluated: 2024-02-25. Review status: criteria provided, single submitter. Criteria: Invitae Variant Classification Sherloc (09022015). Collection method: clinical testing. Allele origin: germline.
Comment: This sequence change replaces glutamic acid, which is acidic and polar, with alanine, which is neutral and non-polar, at codon 338 of the JPH2 protein (p.Glu338Ala). This variant is not present in population databases (gnomAD no frequency). This variant has not been reported in the literature in individuals affected with JPH2-related conditions. An algorithm developed to predict the effect of missense changes on protein structure and function (PolyPhen-2) suggests that this variant is likely to be disruptive. In summary, the available evidence is currently insufficient to determine the role of this variant in disease. Therefore, it has been classified as a Variant of Uncertain Significance.